The following is an entry in ClinVar:

NM_002471.4(MYH6):c.735+16C>T

Gene: MYH6 (myosin heavy chain 6; minus strand). Cytogenetic location: 14q11.2.
Variant type: single nucleotide variant.
Coding change: c.735+16C>T on transcript NM_002471.4 (MANE Select); 16 bases into the intron after coding-DNA position 735, C replaced by T.
Molecular consequence: intron variant.
Genome position (GRCh38, 1-based): chr14:23,404,280, G>A on the plus strand (C>T on the coding strand, the complement: MYH6 is on the minus strand). VCF-style: chr14-23404280-G-A. GRCh37 (hg19) VCF-style: chr14-23873489-G-A.
Identifiers: ClinVar variation 509757 (VCV000509757.23), dbSNP rs76202841, ClinGen allele CA7116052.

ClinVar aggregate classification (germline): Benign. Review status: criteria provided, multiple submitters, no conflicts (2 of 4 stars). 7 submissions from 7 submitters: Benign (4). 3 of the submissions do not count toward it. Last evaluated 2026-02-03.

Conditions:
Hypertrophic cardiomyopathy 14. Identifiers: MedGen C2750467, MONDO:0013197, OMIM 613251.

Allele frequency attached by ClinVar (database versions not stated): ESP Exome Variant Server 0.00015; gnomAD 0.00080 and 0.00093; gnomAD exomes 0.00084 and 0.00235; TOPMed 0.00135; ExAC 0.00211; 1000 Genomes Project 0.00399; 1000 Genomes Project 30x 0.00437.
gnomAD v4.1: 1,362 of 1,613,880 alleles (0.084%); highest among the groups gnomAD compares: East Asian, 1.6%; 12 homozygotes.

Submissions (7):

Labcorp Genetics (formerly Invitae), Labcorp
Classification: Benign for Hypertrophic cardiomyopathy 14. Last evaluated: 2026-02-03. Review status: criteria provided, single submitter. Criteria: Invitae Variant Classification Sherloc (09022015). Collection method: clinical testing. Allele origin: germline.

ARUP Laboratories, Molecular Genetics and Genomics, ARUP Laboratories
Classification: Benign. Last evaluated: 2025-07-08. Review status: criteria provided, single submitter. Criteria: ARUP Molecular Germline Variant Investigation Process 2024. Collection method: clinical testing. Allele origin: germline.

Women's Health and Genetics/Laboratory Corporation of America, LabCorp
Classification: Benign. Last evaluated: 2020-10-26. Review status: criteria provided, single submitter. Criteria: LabCorp Variant Classification Summary - May 2015. Collection method: clinical testing. Allele origin: germline.
Comment: Variant summary: MYH6 c.735+16C>T alters a non-conserved nucleotide located close to a canonical splice site and therefore could affect mRNA splicing, leading to a significantly altered protein sequence. 4/4 computational tools predict no significant impact on normal splicing. However, these predictions have yet to be confirmed by functional studies. The variant allele was found at a frequency of 0.0024 in 251488 control chromosomes in the gnomAD database, including 6 homozygotes. The observed variant frequency is approximately 94- fold the estimated maximal expected allele frequency for a pathogenic variant in MYH6 causing Cardiomyopathy phenotype (2.5e-05), strongly suggesting that the variant is benign. To our knowledge, no occurrence of c.735+16C>T in individuals affected with Cardiomyopathy and no experimental evidence demonstrating its impact on protein function have been reported. One clinical diagnostic laboratory has submitted clinical-significance assessments for this variant to ClinVar after 2014 without evidence for independent evaluation, citing the variant as benign. Based on the evidence outlined above, the variant was classified as benign.

GeneDx
Classification: Benign. Last evaluated: 2017-06-26. Review status: criteria provided, single submitter. Criteria: GeneDx Variant Classification (06012015). Collection method: clinical testing. Allele origin: germline. Affected: yes.
Comment: This variant is considered likely benign or benign based on one or more of the following criteria: it is a conservative change, it occurs at a poorly conserved position in the protein, it is predicted to be benign by multiple in silico algorithms, and/or has population frequency not consistent with disease.

Clinical Genetics DNA and cytogenetics Diagnostics Lab, Erasmus MC, Erasmus Medical Center
Classification: Likely benign. Review status: no assertion criteria provided. Collection method: clinical testing. Allele origin: germline. Affected: yes. Study: VKGL Data-share Consensus. Not counted in ClinVar's aggregate classification.

Clinical Genetics, Academic Medical Center
Classification: Benign. Review status: no assertion criteria provided. Collection method: clinical testing. Allele origin: germline. Affected: yes. Study: VKGL Data-share Consensus. Not counted in ClinVar's aggregate classification.

Genome Diagnostics Laboratory, University Medical Center Utrecht
Classification: Benign. Review status: no assertion criteria provided. Collection method: clinical testing. Allele origin: germline. Affected: yes. Study: VKGL Data-share Consensus. Not counted in ClinVar's aggregate classification.